The following is an entry in ClinVar:

ClinVar aggregate classification (germline): Conflicting classifications of pathogenicity. Review status: criteria provided, conflicting classifications (1 of 4 stars). 2 submissions from 2 submitters: Uncertain significance (1); Likely benign (1). Last evaluated 2023-09-21.

Conditions:
Primary ciliary dyskinesia. Also called: Ciliary dyskinesia. Identifiers: Orphanet 244, MedGen C0008780, MONDO:0016575, HP:0012265.

Allele frequency attached by ClinVar (database versions not stated): ExAC 0.00001; gnomAD exomes 0.00001; gnomAD 0.00005 and 0.00006; TOPMed 0.00005; ESP Exome Variant Server 0.00008.
gnomAD v4.1: 15 of 1,612,344 alleles (0.00093%); highest among the groups gnomAD compares: African/African-American, 0.02%; no homozygotes.

Submissions (2):

Labcorp Genetics (formerly Invitae), Labcorp
Classification: Likely benign for Primary ciliary dyskinesia. Last evaluated: 2023-09-21. Review status: criteria provided, single submitter. Criteria: Invitae Variant Classification Sherloc (09022015). Collection method: clinical testing. Allele origin: germline.

Ambry Genetics
Classification: Uncertain significance for Primary ciliary dyskinesia. Last evaluated: 2021-05-18. Review status: criteria provided, single submitter. Criteria: Ambry Variant Classification Scheme 2023. Collection method: clinical testing. Allele origin: germline.
Comment: The c.1711-4A>T intronic variant results from an A to T substitution 4 nucleotides upstream from coding exon 10 in the DNAH11 gene. This nucleotide position is not well conserved in available vertebrate species. In silico splice site analysis predicts that this alteration will not have any significant effect on splicing. Since supporting evidence is limited at this time, the clinical significance of this alteration remains unclear.

NM_001277115.2(DNAH11):c.1711-4A>T

Gene: DNAH11 (dynein axonemal heavy chain 11; plus strand). Cytogenetic location: 7p15.3.
Variant type: single nucleotide variant.
Coding change: c.1711-4A>T on transcript NM_001277115.2 (MANE Select); 4 bases into the intron before coding-DNA position 1711, A replaced by T.
Molecular consequence: intron variant.
Genome position (GRCh38, 1-based): chr7:21,588,060, A>T. VCF-style: chr7-21588060-A-T. GRCh37 (hg19) VCF-style: chr7-21627678-A-T.
Identifiers: ClinVar variation 1625920 (VCV001625920.10), dbSNP rs372207653, ClinGen allele CA4179082.